The following is an entry in ClinVar:

ClinVar aggregate classification (germline): Pathogenic (1 of 4 stars; one submission).

Submission:

Quest Diagnostics Nichols Institute San Juan Capistrano
Classification: Pathogenic. Last evaluated: 2022-05-30. Review status: criteria provided, single submitter. Criteria: ACMG/ClinGen CNV Guidelines, 2019. Collection method: clinical testing. Allele origin: unknown.
Comment: This 11q terminal deletion includes the ETS1, FLI1, and ARHGAP32 (RICS) genes which are associated with Jacobsen syndrome (JS; OMIM 147791). JS is a contiguous deletion syndrome. Critical genes related to the phenotype include: BSX, NRGN, ETS1, FLI1, and ARHGAP32 (Favier et al., Am J Med Genet C Semin Med Genet. 2015Sep;169(3):239-50., PMID: 26285164). Thus, this lesser deletion likely produce \partial JS\". There is clinical variability and severity in the phenotype based on deletion size; however, typical clinical features include intellectual disability (97%), growth retardation (68-75%), craniofacial dysmorphism (>40%), congenital cardiac malformations (56%), and platelet abnormalities (88.5-94%). Kidney (8-13%), gastrointestinal (18%), genitalia (36-60%), and brain (51-65%) defects, as well as skeletal dysplasia (14%) and behavioralor psychiatric disorders may also occur (Linares Chavez et al., MolSyndromol. 2016 Feb;6(5):229-35., PMID: 26997943; Mattina et al.,Orphanet J Rare Dis. 2009 Mar 7;4:9., PMID: 19267933). ETS1 deletion is associated with heart defects and recurrent infections, FLI1 deletion is associated with bleeding problems, and ARHGAP32 deletion may contribute to autistic disorders (Gardner and Amor, Gardner and Sutherland's Chromosome Abnormalities and Genetic Counseling, Fifth Ed., 2018, Oxford pp. 288)."

GRCh37/hg19 11q24.2-25(chr11:127602115-134938470)x1

Genes: ACAD8 (acyl-CoA dehydrogenase family member 8; plus strand), ADAMTS15 (ADAM metallopeptidase with thrombospondin type 1 motif 15; plus strand), ADAMTS8 (ADAM metallopeptidase with thrombospondin type 1 motif 8; minus strand), APLP2 (amyloid beta precursor like protein 2; plus strand), ARHGAP32 (Rho GTPase activating protein 32; minus strand) and 27 more. Cytogenetic location: 11q24.2-25.
Variant type: copy number loss.
Change: copy number 1 (one copy instead of two) of chr11:127,602,115-134,938,470 (7.34 Mb, GRCh37 coordinates, 1-based), cytogenetic band 11q24.2-25.
Identifiers: ClinVar variation 979329 (VCV000979329.2).